The following is an entry in ClinVar:

NM_001367624.2(ZNF469):c.1896G>A (p.Ser632=)

Gene: ZNF469 (zinc finger protein 469; plus strand). Cytogenetic location: 16q24.2.
Variant type: single nucleotide variant.
Coding change: c.1896G>A on transcript NM_001367624.2 (MANE Select); coding-DNA position 1896, G replaced by A.
Protein change: p.Ser632=; no amino-acid change (serine 632 retained).
Molecular consequence: synonymous variant.
Genome position (GRCh38, 1-based): chr16:88,429,366, G>A. VCF-style: chr16-88429366-G-A. GRCh37 (hg19) VCF-style: chr16-88495774-G-A.
Other names: NM_001127464.1:c.1896G>A; NM_001127464.2:c.1896G>A; p.Ser632=.
Identifiers: ClinVar variation 320875 (VCV000320875.49), dbSNP rs554795578, ClinGen allele CA8224723.

ClinVar aggregate classification (germline): Conflicting classifications of pathogenicity. Review status: criteria provided, conflicting classifications (1 of 4 stars). 11 submissions from 11 submitters: Uncertain significance (1); Benign (3); Likely benign (4). 3 of the submissions do not count toward it. Last evaluated 2026-04-20.

Conditions:
ZNF469-related disorder. Also called: ZNF469-related condition.
Cardiovascular phenotype. Identifiers: MedGen CN230736.
Ehlers-Danlos syndrome (EDS). Identifiers: Orphanet 98249, MedGen C0013720, MONDO:0020066.

Allele frequency attached by ClinVar (database versions not stated): 1000 Genomes Project 30x 0.00016; 1000 Genomes Project 0.00040; TOPMed 0.00082; gnomAD 0.00086 and 0.00090; gnomAD exomes 0.00133; ExAC 0.00298.
gnomAD v4.1: 1,670 of 1,549,738 alleles (0.11%); highest among the groups gnomAD compares: Non-Finnish European, 0.1%; 1 homozygote.

Submissions (11):

Women's Health and Genetics/Laboratory Corporation of America, LabCorp
Classification: Likely benign. Last evaluated: 2026-04-20. Review status: criteria provided, single submitter. Criteria: LabCorp Variant Classification Summary - May 2015. Collection method: clinical testing. Allele origin: germline.

Labcorp Genetics (formerly Invitae), Labcorp
Classification: Benign. Last evaluated: 2026-02-01. Review status: criteria provided, single submitter. Criteria: Invitae Variant Classification Sherloc (09022015). Collection method: clinical testing. Allele origin: germline.

CeGaT Center for Human Genetics Tuebingen
Classification: Likely benign. Last evaluated: 2025-11-01. Review status: criteria provided, single submitter. Criteria: CeGaT Center For Human Genetics Tuebingen Variant Classification Criteria Version 2. Collection method: clinical testing. Allele origin: germline. Affected: yes. Observed: 2 variant alleles.
Comment: ZNF469: BP4, BP7

Blueprint Genetics
Classification: Likely benign. Last evaluated: 2024-09-20. Review status: criteria provided, single submitter. Criteria: ACMG Guidelines, 2015. Collection method: clinical testing. Allele origin: germline.

Mayo Clinic Laboratories, Mayo Clinic
Classification: Benign. Last evaluated: 2024-08-07. Review status: criteria provided, single submitter. Criteria: ACMG Guidelines, 2015. Collection method: clinical testing. Allele origin: germline. Observed: 7 variant alleles.
Comment: BS1, BP4, BP7

Genome Diagnostics Laboratory, The Hospital for Sick Children
Classification: Uncertain significance for Ehlers-Danlos syndrome. Last evaluated: 2021-10-21. Review status: criteria provided, single submitter. Criteria: ACMG Guidelines, 2015. Collection method: clinical testing. Allele origin: germline.

GeneDx
Classification: Likely benign. Last evaluated: 2020-11-05. Review status: criteria provided, single submitter. Criteria: GeneDx Variant Classification Process June 2021. Collection method: clinical testing. Allele origin: germline. Affected: yes.

Ambry Genetics
Classification: Benign for Cardiovascular phenotype. Last evaluated: 2019-05-22. Review status: criteria provided, single submitter. Criteria: Ambry Variant Classification Scheme 2023. Collection method: clinical testing. Allele origin: germline.

PreventionGenetics, part of Exact Sciences
Classification: Benign for ZNF469-related condition. Last evaluated: 2019-10-15. Review status: no assertion criteria provided. Collection method: clinical testing. Allele origin: germline. Not counted in ClinVar's aggregate classification.
Comment: This variant is classified as benign based on ACMG/AMP sequence variant interpretation guidelines (Richards et al. 2015 PMID: 25741868, with internal and published modifications).

Clinical Genetics DNA and cytogenetics Diagnostics Lab, Erasmus MC, Erasmus Medical Center
Classification: Likely benign. Review status: no assertion criteria provided. Collection method: clinical testing. Allele origin: germline. Affected: yes. Study: VKGL Data-share Consensus. Not counted in ClinVar's aggregate classification.

Genome Diagnostics Laboratory, Amsterdam University Medical Center
Classification: Likely benign. Review status: no assertion criteria provided. Collection method: clinical testing. Allele origin: germline. Affected: yes. Study: VKGL Data-share Consensus. Not counted in ClinVar's aggregate classification.